The following is an entry in ClinVar:

NM_033102.3(SLC45A3):c.1408G>A (p.Val470Ile)

Gene: SLC45A3 (solute carrier family 45 member 3; minus strand). Cytogenetic location: 1q32.1.
Variant type: single nucleotide variant.
Coding change: c.1408G>A on transcript NM_033102.3 (MANE Select); coding-DNA position 1408, G replaced by A.
Protein change: p.Val470Ile; replaces valine 470 with isoleucine.
Molecular consequence: missense variant.
Genome position (GRCh38, 1-based): chr1:205,659,488, C>T on the plus strand (G>A on the coding strand, the complement: SLC45A3 is on the minus strand). VCF-style: chr1-205659488-C-T. GRCh37 (hg19) VCF-style: chr1-205628616-C-T.
Other names: short protein forms V470I.
Identifiers: ClinVar variation 2639855 (VCV002639855.24), dbSNP rs137949511, ClinGen allele CA1356324.

ClinVar aggregate classification (germline): Likely benign (1 of 4 stars; one submission).

Allele frequency attached by ClinVar (database versions not stated): 1000 Genomes Project 0.00419; 1000 Genomes Project 30x 0.00422; TOPMed 0.00637; gnomAD 0.00646; ESP Exome Variant Server 0.00661; ExAC 0.00685; gnomAD exomes 0.00812.
gnomAD v4.1: 12,835 of 1,613,828 alleles (0.8%); highest among the groups gnomAD compares: Middle Eastern, 1.3%; 74 homozygotes.

Submission:

CeGaT Center for Human Genetics Tuebingen
Classification: Likely benign. Last evaluated: 2023-03-01. Review status: criteria provided, single submitter. Criteria: CeGaT Center For Human Genetics Tuebingen Variant Classification Criteria Version 2. Collection method: clinical testing. Allele origin: germline. Affected: yes. Observed: 2 variant alleles.
Comment: SLC45A3: BP4, BS2